The following is an entry in ClinVar:

ClinVar aggregate classification (germline): Uncertain significance. Review status: criteria provided, multiple submitters, no conflicts (2 of 4 stars). 4 submissions from 4 submitters: Uncertain significance (4). Last evaluated 2025-11-12.

Conditions:
Inborn genetic diseases. Identifiers: MedGen C0950123, MeSH D030342.
Baller-Gerold syndrome (BGS). Also called: CRANIOSYNOSTOSIS WITH RADIAL DEFECTS. Identifiers: Orphanet 1225, MedGen C0265308, MONDO:0009039, OMIM 218600.
Rothmund-Thomson syndrome type 2 (RTS2). Identifiers: Orphanet 221016, MedGen C5203410, MONDO:0016369, OMIM 268400.
Rapadilino syndrome. Identifiers: Orphanet 3021, MedGen C1849453, MONDO:0009955, OMIM 266280.

Allele frequency attached by ClinVar (database versions not stated): ExAC below 0.00001; gnomAD exomes 0.00001 and 0.00002; gnomAD 0.00003; TOPMed 0.00003.
gnomAD v4.1: 34 of 1,570,378 alleles (0.0022%); highest among the groups gnomAD compares: Middle Eastern, 0.017%; no homozygotes.

Submissions (4):

Ambry Genetics
Classification: Uncertain significance for Inborn genetic diseases. Last evaluated: 2025-11-12. Review status: criteria provided, single submitter. Criteria: Ambry Variant Classification Scheme 2023. Collection method: clinical testing. Allele origin: germline.

Dasa
Classification: Uncertain significance. Last evaluated: 2025-10-03. Review status: criteria provided, single submitter. Criteria: DASA Assertion Criteria. Collection method: clinical testing. Allele origin: germline.
Comment: NM_004260.4(RECQL4):c.2587G>A (p.Glu863Lys) is a missense variant that results in the substitution of glutamic acid with lysine. This variant is rare in population databases. The currently available literature and clinical evidence are not sufficient to establish a definitive association between this variant and the reported condition. Therefore, this variant is classified as a variant of uncertain significance.

Labcorp Genetics (formerly Invitae), Labcorp
Classification: Uncertain significance for Baller-Gerold syndrome. Last evaluated: 2023-11-29. Review status: criteria provided, single submitter. Criteria: Invitae Variant Classification Sherloc (09022015). Collection method: clinical testing. Allele origin: germline.
Comment: This sequence change replaces glutamic acid, which is acidic and polar, with lysine, which is basic and polar, at codon 863 of the RECQL4 protein (p.Glu863Lys). This variant is present in population databases (rs747237323, gnomAD 0.005%). This variant has not been reported in the literature in individuals affected with RECQL4-related conditions. ClinVar contains an entry for this variant (Variation ID: 406902). Advanced modeling of protein sequence and biophysical properties (such as structural, functional, and spatial information, amino acid conservation, physicochemical variation, residue mobility, and thermodynamic stability) performed at Invitae indicates that this missense variant is not expected to disrupt RECQL4 protein function with a negative predictive value of 80%. In summary, the available evidence is currently insufficient to determine the role of this variant in disease. Therefore, it has been classified as a Variant of Uncertain Significance.

Fulgent Genetics
Classification: Uncertain significance for Baller-Gerold syndrome; Rapadilino syndrome; Rothmund-Thomson syndrome type 2. Last evaluated: 2022-03-04. Review status: criteria provided, single submitter. Criteria: ACMG Guidelines, 2015. Collection method: clinical testing. Allele origin: unknown.

NM_004260.4(RECQL4):c.2587G>A (p.Glu863Lys)

Gene: RECQL4 (RecQ like helicase 4; minus strand). Cytogenetic location: 8q24.3.
Variant type: single nucleotide variant.
Coding change: c.2587G>A on transcript NM_004260.4 (MANE Select); coding-DNA position 2587, G replaced by A.
Protein change: p.Glu863Lys; replaces glutamic acid 863 with lysine.
Molecular consequence: missense variant.
Genome position (GRCh38, 1-based): chr8:144,513,015, C>T on the plus strand (G>A on the coding strand, the complement: RECQL4 is on the minus strand). VCF-style: chr8-144513015-C-T. GRCh37 (hg19) VCF-style: chr8-145738398-C-T.
Other names: short protein forms E863K.
Identifiers: ClinVar variation 406902 (VCV000406902.12), dbSNP rs747237323, ClinGen allele CA4948176.